The following is an entry in ClinVar:

ClinVar aggregate classification (germline): Benign/Likely benign. Review status: criteria provided, multiple submitters, no conflicts (2 of 4 stars). 3 submissions from 3 submitters: Benign (1); Likely benign (2). Last evaluated 2026-07-09.

Conditions:
Hereditary cancer-predisposing syndrome. Also called: Tumor predisposition; Neoplastic Syndromes, Hereditary; Hereditary Cancer Syndrome; Hereditary neoplastic syndrome. Identifiers: Orphanet 140162, MedGen C0027672, MeSH D009386, MONDO:0015356.
Rhabdoid tumor predisposition syndrome 2 (RTPS2). Identifiers: Orphanet 231108, Orphanet 69077, MedGen C2750074, MONDO:0013224, OMIM 613325.

Allele frequency attached by ClinVar (database versions not stated): gnomAD exomes below 0.00001.
gnomAD v4.1: 2 of 1,610,846 alleles (0.00012%); highest among the groups gnomAD compares: South Asian, 0.0011%; no homozygotes.

Submissions (3):

Myriad Genetics, Inc.
Classification: Benign for Rhabdoid tumor predisposition syndrome 2. Last evaluated: 2026-07-09. Review status: criteria provided, single submitter. Criteria: Myriad Autosomal Dominant, Autosomal Recessive and X-Linked Classification Criteria (2023). Collection method: clinical testing. Allele origin: unknown.
Comment: This variant is considered benign. This variant is a silent/synonymous amino acid change and it is not expected to impact splicing.

Labcorp Genetics (formerly Invitae), Labcorp
Classification: Likely benign for Rhabdoid tumor predisposition syndrome 2. Last evaluated: 2025-02-09. Review status: criteria provided, single submitter. Criteria: Invitae Variant Classification Sherloc (09022015). Collection method: clinical testing. Allele origin: germline.

Ambry Genetics
Classification: Likely benign for Hereditary cancer-predisposing syndrome. Last evaluated: 2016-02-17. Review status: criteria provided, single submitter. Criteria: Ambry Variant Classification Scheme 2023. Collection method: clinical testing. Allele origin: germline.

NM_003072.5(SMARCA4):c.528G>A (p.Gln176=)

Gene: SMARCA4 (SWI/SNF related BAF chromatin remodeling complex subunit ATPase 4; plus strand). Cytogenetic location: 19p13.2.
Variant type: single nucleotide variant.
Coding change: c.528G>A on transcript NM_003072.5 (MANE Select); coding-DNA position 528, G replaced by A.
Protein change: p.Gln176=; no amino-acid change (glutamine 176 retained).
Molecular consequence: synonymous variant. On other transcripts: non-coding transcript variant (1).
Genome position (GRCh38, 1-based): chr19:10,986,361, G>A. VCF-style: chr19-10986361-G-A. GRCh37 (hg19) VCF-style: chr19-11097037-G-A.
Other names: c.528G>A, p.Gln176= (NM_001128844.3, NM_001128845.2, NM_001128846.2 and 5 more transcripts).
Identifiers: ClinVar variation 480611 (VCV000480611.17), dbSNP rs910767531, ClinGen allele CA305286753.